The following is an entry in ClinVar:

NM_020686.6(ABAT):c.677C>G (p.Ala226Gly)

Gene: ABAT (4-aminobutyrate aminotransferase; plus strand). Cytogenetic location: 16p13.2.
Variant type: single nucleotide variant.
Coding change: c.677C>G on transcript NM_020686.6 (MANE Select); coding-DNA position 677, C replaced by G.
Protein change: p.Ala226Gly; replaces alanine 226 with glycine.
Molecular consequence: missense variant.
Genome position (GRCh38, 1-based): chr16:8,768,834, C>G. VCF-style: chr16-8768834-C-G. GRCh37 (hg19) VCF-style: chr16-8862691-C-G.
Other names: c.677C>G, p.Ala226Gly (NM_000663.5, NM_001127448.2, NM_001386600.1 and 7 more transcripts); c.614C>G, p.Ala205Gly (NM_001386606.1, NM_001386607.1); c.584C>G, p.Ala195Gly (NM_001386608.1); c.542C>G, p.Ala181Gly (NM_001386610.1, NM_001386611.1); c.479C>G, p.Ala160Gly (NM_001386612.1, NM_001386613.1); c.431C>G, p.Ala144Gly (NM_001386614.1); c.773C>G, p.Ala258Gly (NM_001386615.1); short protein forms A144G, A160G, A205G, A258G, A226G, A181G, A195G.
Identifiers: ClinVar variation 2185219 (VCV002185219.3), dbSNP rs372807667, ClinGen allele CA394688878.
Genomic context (GRCh38, chr16:8,768,834, plus strand): 5'-CTGCCTGCTTCCCCAAGCCAAGCGTCTGCTTTTCTGTTTTGCTGAACTCAGGTTGCTTAG[C>G]GACCACGCACTCTAAAGCCATTCACAAGATCGACATCCCTTCCTTTGACTGGCCCATCGC-3'
Protein context (NP_065737.2, residues 216-236): AFHGRTMGCL[Ala226Gly]TTHSKAIHKI

ClinVar aggregate classification (germline): Uncertain significance (1 of 4 stars; one submission).

Conditions:
Gamma-aminobutyric acid transaminase deficiency (GABATD). Also called: GABA transaminase deficiency; Gamma aminobutyrate transaminase deficiency; 4 alpha aminobutyrate transaminase deficiency; GABA aminotransaminase deficiency. Identifiers: Orphanet 2066, MedGen C0342708, MONDO:0013166, OMIM 613163.

gnomAD v4.1: 11 of 1,614,038 alleles (0.00068%); highest among the groups gnomAD compares: Non-Finnish European, 0.00093%; no homozygotes.

Submission:

Labcorp Genetics (formerly Invitae), Labcorp
Classification: Uncertain significance for Gamma-aminobutyric acid transaminase deficiency. Last evaluated: 2024-02-23. Review status: criteria provided, single submitter. Criteria: Invitae Variant Classification Sherloc (09022015). Collection method: clinical testing. Allele origin: germline.
Comment: This sequence change replaces alanine, which is neutral and non-polar, with glycine, which is neutral and non-polar, at codon 226 of the ABAT protein (p.Ala226Gly). This variant is present in population databases (rs372807667, gnomAD 0.0009%). This variant has not been reported in the literature in individuals affected with ABAT-related conditions. ClinVar contains an entry for this variant (Variation ID: 2185219). Advanced modeling of protein sequence and biophysical properties (such as structural, functional, and spatial information, amino acid conservation, physicochemical variation, residue mobility, and thermodynamic stability) performed at Invitae indicates that this missense variant is not expected to disrupt ABAT protein function with a negative predictive value of 80%. In summary, the available evidence is currently insufficient to determine the role of this variant in disease. Therefore, it has been classified as a Variant of Uncertain Significance.